The following is an entry in ClinVar:

ClinVar aggregate classification (germline): Uncertain significance (1 of 4 stars; one submission).

Conditions:
Hereditary cancer-predisposing syndrome. Also called: Hereditary neoplastic syndrome; Hereditary Cancer Syndrome; Neoplastic Syndromes, Hereditary; Tumor predisposition. Identifiers: Orphanet 140162, MedGen C0027672, MeSH D009386, MONDO:0015356.

Submission:

Ambry Genetics
Classification: Uncertain significance for Hereditary cancer-predisposing syndrome. Last evaluated: 2023-04-19. Review status: criteria provided, single submitter. Criteria: Ambry Variant Classification Scheme 2023. Collection method: clinical testing. Allele origin: germline.
Comment: The p.K423N variant (also known as c.1269G>T), located in coding exon 12 of the NF2 gene, results from a G to T substitution at nucleotide position 1269. The lysine at codon 423 is replaced by asparagine, an amino acid with similar properties. This amino acid position is conserved. In addition, this alteration is predicted to be tolerated by in silico analysis. Since supporting evidence is limited at this time, the clinical significance of this alteration remains unclear.

NM_000268.4(NF2):c.1269G>T (p.Lys423Asn)

Gene: NF2 (NF2, moesin-ezrin-radixin like (MERLIN) tumor suppressor; plus strand). Cytogenetic location: 22q12.2.
Variant type: single nucleotide variant.
Coding change: c.1269G>T on transcript NM_000268.4 (MANE Select); coding-DNA position 1269, G replaced by T.
Protein change: p.Lys423Asn; replaces lysine 423 with asparagine.
Molecular consequence: missense variant. On other transcripts: intron variant (1).
Genome position (GRCh38, 1-based): chr22:29,673,415, G>T. VCF-style: chr22-29673415-G-T. GRCh37 (hg19) VCF-style: chr22-30069404-G-T.
Other names: c.1020G>T, p.Lys340Asn (NM_001407063.1, NM_001407064.1, NM_181830.3 and 1 more transcripts); c.1143G>T, p.Lys381Asn (NM_181828.3, NM_001407055.1); c.1269G>T, p.Lys423Asn (NM_001407066.1, NM_016418.5, NM_181825.3 and 2 more transcripts); c.735G>T, p.Lys245Asn (NM_001407065.1); c.1038G>T, p.Lys346Asn (NM_001407067.1); c.1155G>T, p.Lys385Asn (NM_001407053.1, NM_001407056.1); c.1146G>T, p.Lys382Asn (NM_001407054.1, NM_001407058.1, NM_181829.3); c.1134G>T, p.Lys378Asn (NM_001407057.1, NM_001407059.1); and 2 more; short protein forms K382N, K337N, K378N, K385N, K245N, K340N, K346N, K381N.
Identifiers: ClinVar variation 2568059 (VCV002568059.2), dbSNP rs2147083405, ClinGen allele CA411148393.